The following is an entry in ClinVar:

ClinVar aggregate classification (germline): Benign/Likely benign. Review status: criteria provided, multiple submitters, no conflicts (2 of 4 stars). 5 submissions from 5 submitters: Benign (3); Likely benign (1). 1 of the submissions does not count toward it. Last evaluated 2026-02-04.

Conditions:
Megalencephalic leukoencephalopathy with subcortical cysts. Also called: VAN DER KNAAP DISEASE. Identifiers: Orphanet 2478, MedGen C1858854, MONDO:0011391.
Megalencephalic leukoencephalopathy with subcortical cysts 1 (MLC1). Also called: VACUOLATING MEGALENCEPHALIC LEUKOENCEPHALOPATHY WITH SUBCORTICAL CYSTS; LEUKOENCEPHALOPATHY WITH SWELLING AND CYSTS. Identifiers: Orphanet 2478, MedGen C5779875, MONDO:0024555, OMIM 604004.

Submissions (6):

Labcorp Genetics (formerly Invitae), Labcorp
Classification: Benign. Last evaluated: 2026-02-04. Review status: criteria provided, single submitter. Criteria: Invitae Variant Classification Sherloc (09022015). Collection method: clinical testing. Allele origin: germline.

Blueprint Genetics
Classification: Benign. Last evaluated: 2024-11-28. Review status: criteria provided, single submitter. Criteria: ACMG Guidelines, 2015. Collection method: clinical testing. Allele origin: germline.

Mayo Clinic Laboratories, Mayo Clinic
Classification: Benign. Last evaluated: 2023-02-20. Review status: criteria provided, single submitter. Criteria: ACMG Guidelines, 2015. Collection method: clinical testing. Allele origin: germline. Observed: 118 variant alleles.
Comment: BS1, BS2, PP3

Mendelics
Classification: Likely benign for Megalencephalic leukoencephalopathy with subcortical cysts 1. Last evaluated: 2019-05-28. Review status: criteria provided, single submitter. Criteria: Mendelics Assertion Criteria 2017. Collection method: clinical testing. Allele origin: unknown.

Natera, Inc.
Classification: Benign for Megalencephalic leukoencephalopathy with subcortical cysts. Last evaluated: 2020-09-16. Review status: no assertion criteria provided. Collection method: clinical testing. Allele origin: germline. Not counted in ClinVar's aggregate classification.

Dr. Peter K. Rogan Lab, Western University
No classification provided (evidence only). Condition: Gastric cancer. Review status: no classification provided. Collection method: in vitro. Allele origin: not applicable. Functional consequence: retained intron. Not counted in ClinVar's aggregate classification.

NM_015166.4(MLC1):c.1052_1053insCGGGGAGGTGAGTGGCCTGTGGGGTGGGGGTGC (p.Val354_Ala355insSerGlyLeuTrpGlyGlyGlyAlaGlyGluVal)

Gene: MLC1 (modulator of VRAC current 1; minus strand). Cytogenetic location: 22q13.33.
Variant type: Insertion.
Coding change: c.1052_1053insCGGGGAGGTGAGTGGCCTGTGGGGTGGGGGTGC on transcript NM_015166.4 (MANE Select); coding-DNA positions 1052 to 1053, CGGGGAGGTGAGTGGCCTGTGGGGTGGGGGTGC inserted.
Protein change: p.Val354_Ala355insSerGlyLeuTrpGlyGlyGlyAlaGlyGluVal.
Molecular consequence: inframe insertion. On other transcripts: non-coding transcript variant (3).
Genome position: GRCh38: chr22:50,064,042-50,064,043. GRCh37 (hg19): chr22:50,502,471-50,502,472.
Other names: NC_000022.10:g.50502471_50502472insACCCCCACCCCACAGGCCACTCACCTCCCCGGC; p.Val354_Ala355insSerGlyLeuTrpGlyGlyGlyAlaGlyGluVal; c.1052_1053insCGGGGAGGTGAGTGGCCTGTGGGGTGGGGGTGC, p.Val354_Ala355insSerGlyLeuTrpGlyGlyGlyAlaGlyGluVal (NM_001376472.1, NM_001376473.1, NM_001376474.1 and 5 more transcripts); c.995_996insCGGGGAGGTGAGTGGCCTGTGGGGTGGGGGTGC, p.Val335_Ala336insSerGlyLeuTrpGlyGlyGlyAlaGlyGluVal (NM_001376479.1); c.962_963insCGGGGAGGTGAGTGGCCTGTGGGGTGGGGGTGC, p.Val324_Ala325insSerGlyLeuTrpGlyGlyGlyAlaGlyGluVal (NM_001376480.1); c.950_951insCGGGGAGGTGAGTGGCCTGTGGGGTGGGGGTGC, p.Val320_Ala321insSerGlyLeuTrpGlyGlyGlyAlaGlyGluVal (NM_001376481.1); c.896_897insCGGGGAGGTGAGTGGCCTGTGGGGTGGGGGTGC, p.Val302_Ala303insSerGlyLeuTrpGlyGlyGlyAlaGlyGluVal (NM_001376482.1, NM_001376483.1); c.815_816insCGGGGAGGTGAGTGGCCTGTGGGGTGGGGGTGC, p.Val275_Ala276insSerGlyLeuTrpGlyGlyGlyAlaGlyGluVal (NM_001376484.1).
Identifiers: ClinVar variation 770015 (VCV000770015.16), dbSNP rs745656804, ClinGen allele CA10303249.